The following is an entry in ClinVar:

ClinVar aggregate classification (germline): Benign/Likely benign. Review status: criteria provided, multiple submitters, no conflicts (2 of 4 stars). 5 submissions from 5 submitters: Benign (1); Likely benign (3). 1 of the submissions does not count toward it. Last evaluated 2025-11-10.

Conditions:
EP300-related disorder. Also called: EP300-related condition; EP300-related disorders.
Rubinstein-Taybi syndrome due to EP300 haploinsufficiency. Also called: EP300-Related Rubinstein-Taybi Syndrome; RUBINSTEIN-TAYBI SYNDROME 2. Identifiers: Orphanet 353284, Orphanet 783, MedGen C3150941, MONDO:0013364, OMIM 613684.

Allele frequency attached by ClinVar (database versions not stated): gnomAD exomes 0.00006; ExAC 0.00007; gnomAD 0.00007 and 0.00009; TOPMed 0.00010; ESP Exome Variant Server 0.00015; 1000 Genomes Project 30x 0.00016; 1000 Genomes Project 0.00020.
gnomAD v4.1: 61 of 1,614,136 alleles (0.0038%); highest among the groups gnomAD compares: African/African-American, 0.02%; no homozygotes.

Submissions (5):

Labcorp Genetics (formerly Invitae), Labcorp
Classification: Benign for Rubinstein-Taybi syndrome due to EP300 haploinsufficiency. Last evaluated: 2025-11-10. Review status: criteria provided, single submitter. Criteria: Invitae Variant Classification Sherloc (09022015). Collection method: clinical testing. Allele origin: germline.

Blueprint Genetics
Classification: Likely benign. Last evaluated: 2024-11-19. Review status: criteria provided, single submitter. Criteria: ACMG Guidelines, 2015. Collection method: clinical testing. Allele origin: germline.

CeGaT Center for Human Genetics Tuebingen
Classification: Likely benign. Last evaluated: 2023-03-01. Review status: criteria provided, single submitter. Criteria: CeGaT Center For Human Genetics Tuebingen Variant Classification Criteria Version 2. Collection method: clinical testing. Allele origin: germline. Affected: yes. Observed: 1 variant allele.
Comment: EP300: BP4, BP7

GeneDx
Classification: Likely benign. Last evaluated: 2020-03-25. Review status: criteria provided, single submitter. Criteria: GeneDx Variant Classification Process June 2021. Collection method: clinical testing. Allele origin: germline. Affected: yes.

PreventionGenetics, part of Exact Sciences
Classification: Likely benign for EP300-related condition. Last evaluated: 2021-08-31. Review status: no assertion criteria provided. Collection method: clinical testing. Allele origin: germline. Not counted in ClinVar's aggregate classification.
Comment: This variant is classified as likely benign based on ACMG/AMP sequence variant interpretation guidelines (Richards et al. 2015 PMID: 25741868, with internal and published modifications).

NM_001429.4(EP300):c.6414G>A (p.Ala2138=)

Gene: EP300 (EP300 lysine acetyltransferase; plus strand). Cytogenetic location: 22q13.2.
Variant type: single nucleotide variant.
Coding change: c.6414G>A on transcript NM_001429.4 (MANE Select); coding-DNA position 6414, G replaced by A.
Protein change: p.Ala2138=; no amino-acid change (alanine 2138 retained).
Molecular consequence: synonymous variant.
Genome position (GRCh38, 1-based): chr22:41,178,125, G>A. VCF-style: chr22-41178125-G-A. GRCh37 (hg19) VCF-style: chr22-41574129-G-A.
Other names: c.6336G>A, p.Ala2112= (NM_001362843.2).
Identifiers: ClinVar variation 1202712 (VCV001202712.35), dbSNP rs374679651, ClinGen allele CA10253849.